The following is an entry in ClinVar:

NM_021922.3(FANCE):c.397C>T (p.Leu133Phe)

Gene: FANCE (FA complementation group E; plus strand). Cytogenetic location: 6p21.31.
Variant type: single nucleotide variant.
Coding change: c.397C>T on transcript NM_021922.3 (MANE Select); coding-DNA position 397, C replaced by T.
Protein change: p.Leu133Phe; replaces leucine 133 with phenylalanine.
Molecular consequence: missense variant.
Genome position (GRCh38, 1-based): chr6:35,455,895, C>T. VCF-style: chr6-35455895-C-T. GRCh37 (hg19) VCF-style: chr6-35423672-C-T.
Other names: short protein forms L133F.
Identifiers: ClinVar variation 408156 (VCV000408156.19), dbSNP rs759124595, ClinGen allele CA3771401.

ClinVar aggregate classification (germline): Conflicting classifications of pathogenicity. Review status: criteria provided, conflicting classifications (1 of 4 stars). 5 submissions from 5 submitters: Uncertain significance (4); Likely benign (1). Last evaluated 2025-08-04.

Conditions:
Fanconi anemia complementation group E (FANCE). Also called: FANCE-Related Fanconi Anemia. Identifiers: Orphanet 84, MedGen C3160739, MONDO:0010953, OMIM 600901.

Allele frequency attached by ClinVar (database versions not stated): gnomAD 0.00005; gnomAD exomes 0.00004 and 0.00016; TOPMed 0.00010; ExAC 0.00010.
gnomAD v4.1: 77 of 1,614,046 alleles (0.0048%); highest among the groups gnomAD compares: Admixed American, 0.073%; no homozygotes.

Submissions (5):

Dasa
Classification: Uncertain significance. Last evaluated: 2025-08-04. Review status: criteria provided, single submitter. Criteria: DASA Assertion Criteria. Collection method: clinical testing. Allele origin: germline.
Comment: NM_021922.3(FANCE):c.397C>T (p.Leu133Phe) is a missense variant that results in the substitution of leucine with phenylalanine. This variant is rare in population databases. Computational prediction algorithms are consistent with a benign effect. The currently available literature and clinical evidence are not sufficient to establish a definitive association between this variant and the reported condition. Therefore, this variant is classified as a variant of uncertain significance.

Women's Health and Genetics/Laboratory Corporation of America, LabCorp
Classification: Likely benign. Last evaluated: 2025-01-27. Review status: criteria provided, single submitter. Criteria: LabCorp Variant Classification Summary - May 2015. Collection method: clinical testing. Allele origin: germline.
Comment: Variant summary: FANCE c.397C>T (p.Leu133Phe) results in a non-conservative amino acid change in the encoded protein sequence. Three of five in-silico tools predict a damaging effect of the variant on protein function. The variant allele was found at a frequency of 0.00016 in 251220 control chromosomes, predominantly at a frequency of 0.001 within the Latino subpopulation in the gnomAD database. The observed variant frequency within Latino control individuals in the gnomAD database is approximately 2 fold of the estimated maximal expected allele frequency for a pathogenic variant in FANCE causing Fanconi Anemia phenotype (0.00048). To our knowledge, no occurrence of c.397C>T in individuals affected with Fanconi Anemia and no experimental evidence demonstrating its impact on protein function have been reported. ClinVar contains an entry for this variant (Variation ID: 408156). Based on the evidence outlined above, the variant was classified as likely benign.

Labcorp Genetics (formerly Invitae), Labcorp
Classification: Uncertain significance for Fanconi anemia complementation group E. Last evaluated: 2024-11-05. Review status: criteria provided, single submitter. Criteria: Invitae Variant Classification Sherloc (09022015). Collection method: clinical testing. Allele origin: germline.
Comment: This sequence change replaces leucine, which is neutral and non-polar, with phenylalanine, which is neutral and non-polar, at codon 133 of the FANCE protein (p.Leu133Phe). This variant is present in population databases (rs759124595, gnomAD 0.09%). This missense change has been observed in individual(s) with high hyperdiploid acute lymphoblastic leukemia (PMID: 31102422). ClinVar contains an entry for this variant (Variation ID: 408156). Invitae Evidence Modeling of protein sequence and biophysical properties (such as structural, functional, and spatial information, amino acid conservation, physicochemical variation, residue mobility, and thermodynamic stability) indicates that this missense variant is expected to disrupt FANCE protein function with a positive predictive value of 80%. In summary, the available evidence is currently insufficient to determine the role of this variant in disease. Therefore, it has been classified as a Variant of Uncertain Significance.

Fulgent Genetics
Classification: Uncertain significance for Fanconi anemia complementation group E. Last evaluated: 2018-10-31. Review status: criteria provided, single submitter. Criteria: ACMG Guidelines, 2015. Collection method: clinical testing. Allele origin: unknown.

Illumina Laboratory Services, Illumina
Classification: Uncertain significance for Fanconi anemia complementation group E. Last evaluated: 2017-04-27. Review status: criteria provided, single submitter. Criteria: ICSL Variant Classification Criteria 13 December 2019. Collection method: clinical testing. Allele origin: germline.

Literature cited by the submitters: PubMed 31102422 (cited by Labcorp Genetics (formerly Invitae), Labcorp).